The following is an entry in ClinVar:

ClinVar aggregate classification (germline): Uncertain significance (1 of 4 stars; one submission).

Conditions:
Marfan syndrome (MFS). Also called: MARFAN SYNDROME, TYPE I; Marfan syndrome type 1; Marfan's syndrome; FBN1-Related Marfan Syndrome; Marfan syndrome, classic. Identifiers: Orphanet 284963, Orphanet 558, MedGen C0024796, MONDO:0007947, OMIM 154700.

Submission:

All of Us Research Program, National Institutes of Health
Classification: Uncertain significance for Marfan syndrome. Last evaluated: 2024-06-11. Review status: criteria provided, single submitter. Criteria: ACMG Guidelines, 2015. Collection method: clinical testing. Allele origin: germline. Inheritance: Autosomal dominant inheritance. Observed: 1 variant allele, 1 heterozygote.
Comment: This study involves interpretation of variants in research participants for the purpose of population health screening. Participant phenotype was not available at the time of variant classification. Additional details can be found in publication PMID: 35346344, PMCID: PMC8962531

NM_000138.5(FBN1):c.4093G>A (p.Asp1365Asn)

Gene: FBN1 (fibrillin 1; minus strand). Cytogenetic location: 15q21.1.
Variant type: single nucleotide variant.
Coding change: c.4093G>A on transcript NM_000138.5 (MANE Select); coding-DNA position 4093, G replaced by A.
Protein change: p.Asp1365Asn; replaces aspartic acid 1365 with asparagine.
Molecular consequence: missense variant.
Genome position (GRCh38, 1-based): chr15:48,474,372, C>T on the plus strand (G>A on the coding strand, the complement: FBN1 is on the minus strand). VCF-style: chr15-48474372-C-T. GRCh37 (hg19) VCF-style: chr15-48766569-C-T.
Other names: c.4093G>A, p.Asp1365Asn (NM_001406716.1); short protein forms D1365N.
Identifiers: ClinVar variation 3386807 (VCV003386807.1).